The following is an entry in ClinVar:

NM_022893.4(BCL11A):c.2294C>T (p.Thr765Met)

Gene: BCL11A (BCL11 transcription factor A; minus strand). Cytogenetic location: 2p16.1.
Variant type: single nucleotide variant.
Coding change: c.2294C>T on transcript NM_022893.4 (MANE Select); coding-DNA position 2294, C replaced by T.
Protein change: p.Thr765Met; replaces threonine 765 with methionine.
Molecular consequence: missense variant. On other transcripts: intron variant (13).
Genome position (GRCh38, 1-based): chr2:60,460,618, G>A on the plus strand (C>T on the coding strand, the complement: BCL11A is on the minus strand). VCF-style: chr2-60460618-G-A. GRCh37 (hg19) VCF-style: chr2-60687753-G-A.
Other names: c.2192C>T, p.Thr731Met (NM_001363864.1, NM_001365609.1, NM_001405711.1 and 1 more transcripts); c.2294C>T, p.Thr765Met (NM_001405708.1, NM_001405709.1, NM_001405710.1); c.2138C>T, p.Thr713Met (NM_001405713.1, NM_001405714.1, NM_001405715.1 and 1 more transcripts); c.2036C>T, p.Thr679Met (NM_001405717.1, NM_001405718.1); c.1961C>T, p.Thr654Met (NM_001405720.1, NM_001405721.1); c.1838C>T, p.Thr613Met (NM_001405725.1, NM_001405726.1, NM_001405727.1 and 1 more transcripts); c.1601C>T, p.Thr534Met (NM_001405729.1); c.630+1664C>T (NM_138559.2, NM_001405732.1); and 9 more; short protein forms T534M, T613M, T654M, T679M, T713M, T731M, T765M.
Identifiers: ClinVar variation 2662857 (VCV002662857.2), dbSNP rs2466200392, ClinGen allele CA347036128.

ClinVar aggregate classification (germline): Uncertain significance (1 of 4 stars; one submission).

Submission:

GeneDx
Classification: Uncertain significance. Last evaluated: 2025-07-24. Review status: criteria provided, single submitter. Criteria: GeneDx Variant Classification Process June 2021. Collection method: clinical testing. Allele origin: germline.
Comment: Not observed at significant frequency in large population cohorts (gnomAD); In silico analysis supports that this missense variant has a deleterious effect on protein structure/function; Has not been previously published as pathogenic or benign to our knowledge